The following is an entry in ClinVar:

ClinVar aggregate classification (germline): Uncertain significance (1 of 4 stars; one submission).

Conditions:
NR1H4-related disorder. Also called: NR1H4-related condition.

Submission:

PreventionGenetics, part of Exact Sciences
Classification: Uncertain significance for NR1H4-related condition. Last evaluated: 2026-05-19. Review status: criteria provided, single submitter. Criteria: ACMG Guidelines, 2015. Collection method: clinical testing. Allele origin: germline.
Comment: The NR1H4 c.823_825delAAA variant is predicted to result in an in-frame deletion (p.Lys275del). To our knowledge, this variant has not been reported in the literature or in a large population database, indicating this variant is rare. At this time, the clinical significance of this variant is uncertain due to the absence of conclusive functional and genetic evidence.

NM_001206979.2(NR1H4):c.835_837del (p.Lys279del)

Gene: NR1H4 (nuclear receptor subfamily 1 group H member 4; plus strand). Cytogenetic location: 12q23.1.
Variant type: Deletion.
Coding change: c.835_837del on transcript NM_001206979.2 (MANE Select); coding-DNA positions 835 to 837, 3 bases deleted (AAA; older notation c.835_837delAAA).
Protein change: p.Lys279del; deletes lysine 279.
Molecular consequence: inframe deletion. On other transcripts: non-coding transcript variant (1).
Genome position (GRCh38, 1-based): chr12:100,536,951-100,536,953, AAA deleted; deleting any 3 consecutive bases within chr12:100,536,950-100,536,953 gives the same sequence; the c. name uses the placement nearest the transcript's 3' end. VCF-style (leftmost placement, unchanged base first): chr12-100536949-TAAA-T. GRCh37 (hg19) VCF-style: chr12-100930727-TAAA-T.
Other names: c.835_837del, p.Lys279del (NM_001206977.2); c.682_684del, p.Lys228del (NM_001206978.2); c.853_855del, p.Lys285del (NM_001206992.2); c.865_867del, p.Lys289del (NM_001206993.2); c.823_825del, p.Lys275del (NM_005123.4); short protein forms K275del, K279del, K228del, K285del, K289del.
Identifiers: ClinVar variation 4986568 (VCV004986568.1).
Genomic context (GRCh38, chr12:100,536,949, plus strand): 5'-TTTTATATTATCATTTTCTTATCTACTTTTTAATCATTGGTTTTTTTCTTAAAATTTAGT[TAAA>T]AGAAGAATTCAGTGCAGAAGAAAATTTTCTCATTTTGACGGAAATGGCAACCAATCATGT-3'